The following is an entry in ClinVar:

ClinVar aggregate classification (germline): Uncertain significance. Review status: criteria provided, multiple submitters, no conflicts (2 of 4 stars). 4 submissions from 4 submitters: Uncertain significance (2). 2 of the submissions do not count toward it. Last evaluated 2025-12-17.

Allele frequency attached by ClinVar (database versions not stated): gnomAD exomes 0.00010 and 0.00027; ExAC 0.00012; ESP Exome Variant Server 0.00016; gnomAD 0.00016 and 0.00017; TOPMed 0.00016; 1000 Genomes Project 0.00040; 1000 Genomes Project 30x 0.00047.
gnomAD v4.1: 416 of 1,610,490 alleles (0.026%); highest among the groups gnomAD compares: Non-Finnish European, 0.034%; no homozygotes.

Submissions (4):

Labcorp Genetics (formerly Invitae), Labcorp
Classification: Uncertain significance. Last evaluated: 2025-12-17. Review status: criteria provided, single submitter. Criteria: Invitae Variant Classification Sherloc (09022015). Collection method: clinical testing. Allele origin: germline.
Comment: This sequence change replaces proline, which is neutral and non-polar, with leucine, which is neutral and non-polar, at codon 1448 of the DOCK6 protein (p.Pro1448Leu). This variant is present in population databases (rs371710008, gnomAD 0.02%). This variant has not been reported in the literature in individuals affected with DOCK6-related conditions. ClinVar contains an entry for this variant (Variation ID: 1174753). Invitae Evidence Modeling of protein sequence and biophysical properties (such as structural, functional, and spatial information, amino acid conservation, physicochemical variation, residue mobility, and thermodynamic stability) indicates that this missense variant is not expected to disrupt DOCK6 protein function with a negative predictive value of 80%. In summary, the available evidence is currently insufficient to determine the role of this variant in disease. Therefore, it has been classified as a Variant of Uncertain Significance.

Blueprint Genetics
Classification: Uncertain significance. Last evaluated: 2023-04-12. Review status: criteria provided, single submitter. Criteria: ACMG Guidelines, 2015. Collection method: clinical testing. Allele origin: germline.

Clinical Genetics DNA and cytogenetics Diagnostics Lab, Erasmus MC, Erasmus Medical Center
Classification: Uncertain significance. Review status: no assertion criteria provided. Collection method: clinical testing. Allele origin: germline. Affected: yes. Study: VKGL Data-share Consensus. Not counted in ClinVar's aggregate classification.

Diagnostic Laboratory, Department of Genetics, University Medical Center Groningen
Classification: Uncertain significance. Review status: no assertion criteria provided. Collection method: clinical testing. Allele origin: germline. Affected: yes. Study: VKGL Data-share Consensus. Not counted in ClinVar's aggregate classification.

NM_020812.4(DOCK6):c.4343C>T (p.Pro1448Leu)

Genes: DOCK6 (dedicator of cytokinesis 6; minus strand), DOCK6-AS1 (DOCK6 antisense RNA 1; plus strand). Cytogenetic location: 19p13.2.
Variant type: single nucleotide variant.
Coding change: c.4343C>T on transcript NM_020812.4 (MANE Select); coding-DNA position 4343, C replaced by T.
Protein change: p.Pro1448Leu; replaces proline 1448 with leucine.
Molecular consequence: missense variant.
Genome position (GRCh38, 1-based): chr19:11,213,324, G>A on the plus strand (C>T on the coding strand, the complement: DOCK6 is on the minus strand). VCF-style: chr19-11213324-G-A. GRCh37 (hg19) VCF-style: chr19-11324000-G-A.
Other names: c.4448C>T, p.Pro1483Leu (NM_001367830.1); short protein forms P1448L, P1483L.
Identifiers: ClinVar variation 1174753 (VCV001174753.8), dbSNP rs371710008, ClinGen allele CA9206887.